The following is an entry in ClinVar:

NM_007294.4(BRCA1):c.2086A>G (p.Thr696Ala)

Gene: BRCA1 (BRCA1 DNA repair associated; minus strand). Cytogenetic location: 17q21.31.
Variant type: single nucleotide variant.
Coding change: c.2086A>G on transcript NM_007294.4 (MANE Select); coding-DNA position 2086, A replaced by G.
Protein change: p.Thr696Ala; replaces threonine 696 with alanine.
Molecular consequence: missense variant. On other transcripts: intron variant (137).
Genome position (GRCh38, 1-based): chr17:43,093,445, T>C on the plus strand (A>G on the coding strand, the complement: BRCA1 is on the minus strand). VCF-style: chr17-43093445-T-C. GRCh37 (hg19) VCF-style: chr17-41245462-T-C.
Other names: c.1942A>G, p.Thr648Ala (NM_001407749.1, NM_001407838.1, NM_001407839.1 and 20 more transcripts); c.1945A>G, p.Thr649Ala (NM_001407750.1, NM_001407751.1, NM_001407752.1 and 29 more transcripts); c.1873A>G, p.Thr625Ala (NM_001407853.1, NM_001407894.1, NM_001407895.1 and 9 more transcripts); c.2086A>G, p.Thr696Ala (NM_001407854.1, NM_001407858.1, NM_001407859.1 and 30 more transcripts); c.2083A>G, p.Thr695Ala (NM_001407860.1, NM_001407861.1, NM_001407587.1 and 22 more transcripts); c.1885A>G, p.Thr629Ala (NM_001407862.1); c.1963A>G, p.Thr655Ala (NM_001407863.1, NM_001407919.1, NM_001407937.1 and 19 more transcripts); c.1882A>G, p.Thr628Ala (NM_001407874.1, NM_001407875.1); and 40 more; short protein forms T696A, T649A, T625A, T648A, T669A, T693A, T569A, T585A.
Identifiers: ClinVar variation 54457 (VCV000054457.24), dbSNP rs80357441, ClinGen allele CA001385.

ClinVar aggregate classification (germline): Conflicting classifications of pathogenicity. Review status: criteria provided, conflicting classifications (1 of 4 stars). 5 submissions from 5 submitters: Uncertain significance (2); Likely benign (2). 1 of the submissions does not count toward it. Last evaluated 2024-04-30.

Conditions:
Hereditary cancer-predisposing syndrome. Also called: Tumor predisposition; Neoplastic Syndromes, Hereditary; Hereditary Cancer Syndrome; Hereditary neoplastic syndrome. Identifiers: Orphanet 140162, MedGen C0027672, MeSH D009386, MONDO:0015356.
Hereditary breast ovarian cancer syndrome. Also called: Hereditary breast and ovarian cancer syndrome (HBOC); Hereditary breast and ovarian cancer syndrome; Hereditary breast and ovarian cancer; Hereditary breast and/or ovarian cancer syndrome; Breast and ovarian cancer; BRCA1- and BRCA2-Associated Hereditary Breast and Ovarian Cancer. Identifiers: Orphanet 145, MedGen C0677776, MeSH D061325, MONDO:0003582. Disease mechanism: loss of function.
Breast-ovarian cancer, familial, susceptibility to, 1 (BROVCA1). Also called: OVARIAN CANCER, SUSCEPTIBILITY TO; BRCA1 Hereditary Breast and Ovarian Cancer. Identifiers: Orphanet 145, MedGen C2676676, MONDO:0011450, OMIM 604370. Disease mechanism: loss of function.

Allele frequency attached by ClinVar (database versions not stated): gnomAD exomes below 0.00001.
gnomAD v4.1: 1 of 1,614,090 alleles (0.000062%); highest among the groups gnomAD compares: South Asian, 0.0011%; no homozygotes.

Submissions (5):

Labcorp Genetics (formerly Invitae), Labcorp
Classification: Uncertain significance for Hereditary breast ovarian cancer syndrome. Last evaluated: 2024-04-30. Review status: criteria provided, single submitter. Criteria: Invitae Variant Classification Sherloc (09022015). Collection method: clinical testing. Allele origin: germline.
Comment: This sequence change replaces threonine, which is neutral and polar, with alanine, which is neutral and non-polar, at codon 696 of the BRCA1 protein (p.Thr696Ala). This variant is not present in population databases (gnomAD no frequency). This variant has not been reported in the literature in individuals affected with BRCA1-related conditions. ClinVar contains an entry for this variant (Variation ID: 54457). Advanced modeling of protein sequence and biophysical properties (such as structural, functional, and spatial information, amino acid conservation, physicochemical variation, residue mobility, and thermodynamic stability) performed at Invitae indicates that this missense variant is not expected to disrupt BRCA1 protein function with a negative predictive value of 95%. In summary, the available evidence is currently insufficient to determine the role of this variant in disease. Therefore, it has been classified as a Variant of Uncertain Significance.

University of Washington Department of Laboratory Medicine, University of Washington
Classification: Likely benign for Hereditary cancer-predisposing syndrome. Last evaluated: 2023-03-23. Review status: criteria provided, single submitter. Criteria: Dines et al. (Genet Med. 2020). Collection method: curation. Allele origin: germline.
Comment: Missense variant in a coldspot region where missense variants are very unlikely to be pathogenic (PMID:31911673).

BRCA1 coldspot (exon 11 using historical exon numbering). Reclassification based on statistical prior probability

GeneDx
Classification: Uncertain significance. Last evaluated: 2023-02-01. Review status: criteria provided, single submitter. Criteria: GeneDx Variant Classification Process June 2021. Collection method: clinical testing. Allele origin: germline. Affected: yes.
Comment: Not observed at significant frequency in large population cohorts (gnomAD); In silico analysis supports that this missense variant does not alter protein structure/function; Has not been previously published as pathogenic or benign to our knowledge; Also known as 2205A>G; This variant is associated with the following publications: (PMID: 29884841, 12872263, 32377563, 15343273)

Ambry Genetics
Classification: Likely benign for Hereditary cancer-predisposing syndrome. Last evaluated: 2016-06-02. Review status: criteria provided, single submitter. Criteria: Ambry Variant Classification Scheme 2023. Collection method: clinical testing. Allele origin: germline.

Breast Cancer Information Core (BIC) (BRCA1)
Classification: Uncertain significance for Breast-ovarian cancer, familial 1. Last evaluated: 2003-12-23. Review status: no assertion criteria provided. Collection method: clinical testing. Allele origin: germline. Affected: yes. Observed: 1 variant allele. Not counted in ClinVar's aggregate classification.